The following is an entry in ClinVar:

NM_000404.4(GLB1):c.481T>G (p.Trp161Gly)

Gene: GLB1 (galactosidase beta 1; minus strand). Cytogenetic location: 3p22.3.
Variant type: single nucleotide variant.
Coding change: c.481T>G on transcript NM_000404.4 (MANE Select); coding-DNA position 481, T replaced by G.
Protein change: p.Trp161Gly; replaces tryptophan 161 with glycine.
Molecular consequence: missense variant.
Genome position (GRCh38, 1-based): chr3:33,065,534, A>C on the plus strand (T>G on the coding strand, the complement: GLB1 is on the minus strand). VCF-style: chr3-33065534-A-C. GRCh37 (hg19) VCF-style: chr3-33107026-A-C.
Other names: c.391T>G, p.Trp131Gly (NM_001079811.3); c.269T>G, p.Val90Gly (NM_001135602.3); c.625T>G, p.Trp209Gly (NM_001317040.2); c.481T>G, p.Trp161Gly (NM_001393580.1); short protein forms W161G, W131G, W209G, V90G.
Identifiers: ClinVar variation 92910 (VCV000092910.18), dbSNP rs398123355, ClinGen allele CA220721.
Genomic context (GRCh38, chr3:33,065,534, plus strand): 5'-TAACTGGCCCTCCATTCTGATAGAGGAGAGGCTTCATCTTGGGCAGAAGGACTCCCAACC[A>C]CTTGTCCACAGCTGCCAGGTAATCTGGAAAACAAGAAAAGTTTAACACAAGCTTGTCCAA-3'
Protein context (NP_000395.3, residues 151-171): DPDYLAAVDK[Trp161Gly]LGVLLPKMKP

ClinVar aggregate classification (germline): Pathogenic/Likely pathogenic. Review status: criteria provided, multiple submitters, no conflicts (2 of 4 stars). 6 submissions from 6 submitters: Pathogenic (2); Likely pathogenic (2). 2 of the submissions do not count toward it. Last evaluated 2025-12-22.

Conditions:
GM1 gangliosidosis. Identifiers: Orphanet 354, MedGen C0085131, MONDO:0018149.
Mucopolysaccharidosis, MPS-IV-B (MPS4B). Also called: Mucopolysaccharidosis type 4B; Mucopolysaccharidosis type IV B; Mucopolysaccharidosis type IVB (Morquio); Mucopolysaccharidosis Type IVB (Morquio B Disease); MPS IVB; MORQUIO SYNDROME B. Identifiers: Orphanet 309310, Orphanet 582, MedGen C0086652, MONDO:0009660, OMIM 253010.
GLB1-related disorder. Also called: GLB1-related disorders. Identifiers: MedGen CN377807.
GM1 gangliosidosis type 2. Also called: GANGLIOSIDOSIS, GENERALIZED GM1, JUVENILE TYPE; GANGLIOSIDOSIS, GENERALIZED GM1, TYPE II; Gangliosidosis, Generalized GM1, Type 2; GM1-GANGLIOSIDOSIS, TYPE II; Juvenile GM>1< gangliosidosis. Identifiers: Orphanet 354, Orphanet 79256, MedGen C0268272, MONDO:0009261, OMIM 230600.
Infantile GM1 gangliosidosis. Also called: Gangliosidosis, Generalized GM1, Type 1; GM1 gangliosidosis type 1; GM1-gangliosidosis, type I; Gangliosidosis, generalized GM1, infantile form; GLB1 deficiency. Identifiers: Orphanet 354, Orphanet 79255, MedGen C0268271, MONDO:0009260, OMIM 230500.
GM1 gangliosidosis type 3. Also called: GANGLIOSIDOSIS, GENERALIZED GM1, ADULT TYPE; GANGLIOSIDOSIS, GENERALIZED GM1, CHRONIC TYPE; Gangliosidosis, Generalized GM1, Type 3; GM1-GANGLIOSIDOSIS, TYPE III; Beta-galactosidase deficiency; Adult GM1 gangliosidosis. Identifiers: Orphanet 79257, MedGen C0268273, MONDO:0009262, OMIM 230650.

Allele frequency attached by ClinVar (database versions not stated): gnomAD exomes below 0.00001; gnomAD 0.00001; TOPMed 0.00001.
gnomAD v4.1: 9 of 1,581,156 alleles (0.00057%); highest among the groups gnomAD compares: Non-Finnish European, 0.0006%; no homozygotes.

Submissions (6):

GeneDx
Classification: Likely pathogenic. Last evaluated: 2025-12-22. Review status: criteria provided, single submitter. Criteria: GeneDx Variant Classification Process June 2021. Collection method: clinical testing. Allele origin: germline. Affected: yes.
Comment: Not observed at significant frequency in large population cohorts (gnomAD); In silico analysis supports that this missense variant has a deleterious effect on protein structure/function; This variant is associated with the following publications: (PMID: 25600812, 23337983, 25525159, 21520340, 39303319, 21497194)

Natera, Inc.
Classification: Likely pathogenic for Mucopolysaccharidosis, MPS-IV-B. Last evaluated: 2025-08-23. Review status: criteria provided, single submitter. Criteria: Natera Variant Classification Schema (03/2026). Collection method: clinical testing. Allele origin: germline.
Comment: The c.481T>G variant in GLB1 is a missense variant predicted to cause substitution of tryptophan to glycine at amino acid 161. This variant is rare in the general population with a frequency below the threshold expected for the associated phenotype(s). This variant has been observed in one or more individuals affected with the associated recessive disease, as either homozygous or compound heterozygous with a second variant (PMID: 25600812, 21497194). Functional studies show that this variant may disrupt protein function (PMID: 23337983). Computational prediction algorithms indicate this variant is likely to affect gene or protein function. Given the available evidence, this variant is classified as Likely Pathogenic.

Blueprint Genetics
Classification: Pathogenic for GLB1-related disorders. Last evaluated: 2024-07-12. Review status: criteria provided, single submitter. Criteria: ACMG Guidelines, 2015. Collection method: clinical testing. Allele origin: germline. Affected: yes. Observed: 3 variant alleles.

Labcorp Genetics (formerly Invitae), Labcorp
Classification: Pathogenic for Mucopolysaccharidosis, MPS-IV-B; GM1 gangliosidosis. Last evaluated: 2023-06-11. Review status: criteria provided, single submitter. Criteria: Invitae Variant Classification Sherloc (09022015). Collection method: clinical testing. Allele origin: germline.
Comment: This variant is present in population databases (rs398123355, gnomAD 0.001%). This sequence change replaces tryptophan, which is neutral and slightly polar, with glycine, which is neutral and non-polar, at codon 161 of the GLB1 protein (p.Trp161Gly). This missense change has been observed in individual(s) with GM1-gangliosidosis (PMID: 2149194, 25600812). ClinVar contains an entry for this variant (Variation ID: 92910). Advanced modeling of protein sequence and biophysical properties (such as structural, functional, and spatial information, amino acid conservation, physicochemical variation, residue mobility, and thermodynamic stability) performed at Invitae indicates that this missense variant is expected to disrupt GLB1 protein function. Experimental studies have shown that this missense change affects GLB1 function (PMID: 23337983). For these reasons, this variant has been classified as Pathogenic.

Counsyl
Classification: Likely pathogenic for Infantile GM1 gangliosidosis; GM1 gangliosidosis type 2; GM1 gangliosidosis type 3; Mucopolysaccharidosis, MPS-IV-B. Last evaluated: 2018-03-14. Review status: no assertion criteria provided. Collection method: clinical testing. Allele origin: unknown. Not counted in ClinVar's aggregate classification.

Eurofins Ntd Llc (ga)
Classification: Uncertain significance. Last evaluated: 2013-10-30. Review status: flagged submission. Criteria: EGL Classification Definitions 2015. Collection method: clinical testing. Allele origin: germline. Observed: 2 variant alleles, 2 heterozygotes. Not counted in ClinVar's aggregate classification.
ClinVar note: Reason: Older and outlier claim with insufficient supporting evidence

Literature cited by the submitters: PubMed 25600812 (cited by 3 submitters); PubMed 21497194 (cited by Natera, Inc. and Counsyl); PubMed 23337983 (cited by 3 submitters); PubMed 2149194 (cited by Labcorp Genetics (formerly Invitae), Labcorp); PubMed 21520340 (cited by Counsyl).